The following is an entry in ClinVar:

NM_016562.4(TLR7):c.917C>A (p.Pro306His)

Gene: TLR7 (toll like receptor 7; plus strand). Cytogenetic location: Xp22.2.
Variant type: single nucleotide variant.
Coding change: c.917C>A on transcript NM_016562.4 (MANE Select); coding-DNA position 917, C replaced by A.
Protein change: p.Pro306His; replaces proline 306 with histidine.
Molecular consequence: missense variant.
Genome position (GRCh38, 1-based): chrX:12,886,425, C>A. VCF-style: chrX-12886425-C-A. GRCh37 (hg19) VCF-style: chrX-12904544-C-A.
Other names: short protein forms P306H.
Identifiers: ClinVar variation 2696196 (VCV002696196.3), dbSNP rs2518437840, ClinGen allele CA412405904.
Genomic context (GRCh38, chrX:12,886,425, plus strand): 5'-TTGATGCGCTGACAGAATTAAAAGTTTTACGTCTACACAGTAACTCTCTTCAGCATGTGC[C>A]CCCAAGATGGTTTAAGAACATCAACAAACTCCAGGAACTGGATCTGTCCCAAAACTTCTT-3'
Protein context (NP_057646.1, residues 296-316): RLHSNSLQHV[Pro306His]PRWFKNINKL

ClinVar aggregate classification (germline): Uncertain significance (1 of 4 stars; one submission).

Submission:

Labcorp Genetics (formerly Invitae), Labcorp
Classification: Uncertain significance. Last evaluated: 2024-01-25. Review status: criteria provided, single submitter. Criteria: Invitae Variant Classification Sherloc (09022015). Collection method: clinical testing. Allele origin: germline.
Comment: This sequence change replaces proline, which is neutral and non-polar, with histidine, which is basic and polar, at codon 306 of the TLR7 protein (p.Pro306His). This variant is not present in population databases (gnomAD no frequency). This variant has not been reported in the literature in individuals affected with TLR7-related conditions. Algorithms developed to predict the effect of missense changes on protein structure and function output the following: SIFT: "Not Available"; PolyPhen-2: "Benign"; Align-GVGD: "Not Available". The histidine amino acid residue is found in multiple mammalian species, which suggests that this missense change does not adversely affect protein function. In summary, the available evidence is currently insufficient to determine the role of this variant in disease. Therefore, it has been classified as a Variant of Uncertain Significance.